The following is an entry in ClinVar:

NM_001042492.3(NF1):c.7063-3T>C

Gene: NF1 (neurofibromin 1; plus strand). Cytogenetic location: 17q11.2.
Variant type: single nucleotide variant.
Coding change: c.7063-3T>C on transcript NM_001042492.3 (MANE Select); 3 bases into the intron before coding-DNA position 7063, T replaced by C.
Molecular consequence: intron variant.
Genome position (GRCh38, 1-based): chr17:31,343,006, T>C. VCF-style: chr17-31343006-T-C. GRCh37 (hg19) VCF-style: chr17-29670024-T-C.
Other names: c.7000-3T>C (NM_000267.4).
Identifiers: ClinVar variation 939889 (VCV000939889.9), dbSNP rs1241158120, ClinGen allele CA728030037.
Genomic context (GRCh38, chr17:31,343,006, plus strand): 5'-GTGAGCCTTTAAAGAAAGCTACTGTGTGAACCTCATCAACCATCTCATGATTATCTTTAA[T>C]AGAGTCCAGAGGAAGTATTTATGGCAATCCGGAATCCTCTGGAGTGGCACTGCAAGCAAA-3'

ClinVar aggregate classification (germline): Uncertain significance. Review status: criteria provided, multiple submitters, no conflicts (2 of 4 stars). 2 submissions from 2 submitters: Uncertain significance (2). Last evaluated 2023-09-08.

Conditions:
Hereditary cancer-predisposing syndrome. Also called: Tumor predisposition; Hereditary neoplastic syndrome; Neoplastic Syndromes, Hereditary; Hereditary Cancer Syndrome. Identifiers: Orphanet 140162, MedGen C0027672, MeSH D009386, MONDO:0015356.
Cardiovascular phenotype. Identifiers: MedGen CN230736.
Neurofibromatosis, type 1 (NF1). Also called: Peripheral type neurofibromatosis; VON RECKLINGHAUSEN DISEASE; Neurofibromatosis, type I; NEUROFIBROMATOSIS, TYPE I, SOMATIC. Identifiers: Orphanet 636, MedGen C0027831, MONDO:0018975, OMIM 162200. Disease mechanism: loss of function.

Allele frequency attached by ClinVar (database versions not stated): gnomAD exomes below 0.00001; TOPMed 0.00001.
gnomAD v4.1: 1 of 1,614,068 alleles (0.000062%); highest among the groups gnomAD compares: Non-Finnish European, 0.000085%; no homozygotes.

Submissions (2):

Labcorp Genetics (formerly Invitae), Labcorp
Classification: Uncertain significance for Neurofibromatosis, type 1. Last evaluated: 2023-09-08. Review status: criteria provided, single submitter. Criteria: Invitae Variant Classification Sherloc (09022015). Collection method: clinical testing. Allele origin: germline.
Comment: This sequence change falls in intron 46 of the NF1 gene. It does not directly change the encoded amino acid sequence of the NF1 protein. It affects a nucleotide within the consensus splice site. This variant is not present in population databases (gnomAD no frequency). This variant has not been reported in the literature in individuals affected with NF1-related conditions. ClinVar contains an entry for this variant (Variation ID: 939889). Variants that disrupt the consensus splice site are a relatively common cause of aberrant splicing (PMID: 17576681, 9536098). Algorithms developed to predict the effect of sequence changes on RNA splicing suggest that this variant is not likely to affect RNA splicing. In summary, the available evidence is currently insufficient to determine the role of this variant in disease. Therefore, it has been classified as a Variant of Uncertain Significance.

Ambry Genetics
Classification: Uncertain significance for Cardiovascular phenotype; Hereditary cancer-predisposing syndrome. Last evaluated: 2021-10-01. Review status: criteria provided, single submitter. Criteria: Ambry Variant Classification Scheme 2023. Collection method: clinical testing. Allele origin: germline.
Comment: The c.7000-3T>C intronic variant results from a T to C substitution 3 nucleotides upstream from coding exon 47 in the NF1 gene. This nucleotide position is not well conserved in available vertebrate species. In silico splice site analysis predicts that this alteration will not have any significant effect on splicing. Since supporting evidence is limited at this time, the clinical significance of this alteration remains unclear.

Literature cited by the submitters: PubMed 17576681 (cited by Labcorp Genetics (formerly Invitae), Labcorp); PubMed 9536098 (cited by Labcorp Genetics (formerly Invitae), Labcorp).